The following is an entry in ClinVar:

NM_001035.3(RYR2):c.10582A>G (p.Met3528Val)

Gene: RYR2 (ryanodine receptor 2; plus strand). Cytogenetic location: 1q43.
Variant type: single nucleotide variant.
Coding change: c.10582A>G on transcript NM_001035.3 (MANE Select); coding-DNA position 10582, A replaced by G.
Protein change: p.Met3528Val; replaces methionine 3528 with valine.
Molecular consequence: missense variant.
Genome position (GRCh38, 1-based): chr1:237,723,155, A>G. VCF-style: chr1-237723155-A-G. GRCh37 (hg19) VCF-style: chr1-237886455-A-G.
Other names: short protein forms M3528V.
Identifiers: ClinVar variation 4158429 (VCV004158429.1).

ClinVar aggregate classification (germline): Uncertain significance (1 of 4 stars; one submission).

Conditions:
Cardiovascular phenotype. Identifiers: MedGen CN230736.

gnomAD v4.1: 1 of 1,611,128 alleles (0.000062%); no homozygotes.

Submission:

Ambry Genetics
Classification: Uncertain significance for Cardiovascular phenotype. Last evaluated: 2025-07-15. Review status: criteria provided, single submitter. Criteria: Ambry Variant Classification Scheme 2023. Collection method: clinical testing. Allele origin: germline.
Comment: The p.M3528V variant (also known as c.10582A>G), located in coding exon 74 of the RYR2 gene, results from an A to G substitution at nucleotide position 10582. The methionine at codon 3528 is replaced by valine, an amino acid with highly similar properties. This amino acid position is well conserved in available vertebrate species. In addition, the in silico prediction for this alteration is inconclusive. Based on the available evidence, the clinical significance of this variant remains unclear.